The following is an entry in ClinVar:

ClinVar aggregate classification (germline): Likely benign. Review status: criteria provided, multiple submitters, no conflicts (2 of 4 stars). 3 submissions from 3 submitters: Likely benign (3). Last evaluated 2026-02-02.

Conditions:
BEST1-related disorder. Also called: BEST1-related condition; BEST1-related disorders. Identifiers: MedGen CN239200.

Submissions (3):

Labcorp Genetics (formerly Invitae), Labcorp
Classification: Likely benign. Last evaluated: 2026-02-02. Review status: criteria provided, single submitter. Criteria: Invitae Variant Classification Sherloc (09022015). Collection method: clinical testing. Allele origin: germline.

PreventionGenetics, part of Exact Sciences
Classification: Likely benign for BEST1-related condition. Last evaluated: 2025-11-19. Review status: criteria provided, single submitter. Criteria: ACMG Guidelines, 2015. Collection method: clinical testing. Allele origin: germline.
Comment: This variant is classified as likely benign based on ACMG/AMP sequence variant interpretation guidelines (Richards et al. 2015 PMID: 25741868, with internal and published modifications).

Blueprint Genetics
Classification: Likely benign. Last evaluated: 2024-11-27. Review status: criteria provided, single submitter. Criteria: ACMG Guidelines, 2015. Collection method: clinical testing. Allele origin: germline.

NM_004183.4(BEST1):c.715-18TCC[7]

Gene: BEST1 (bestrophin 1; plus strand). Cytogenetic location: 11q12.3.
Variant type: Microsatellite.
Coding change: c.715-18TCC[7] on transcript NM_004183.4 (MANE Select); seven copies in a row of the 3-base unit TCC starting at c.715-18; the reference has five copies in a row; two copies, 6 bases duplicated.
Molecular consequence: intron variant.
Genome position (GRCh38, 1-based): chr11:61,958,137-61,958,142, TCCTCC duplicated; duplicating any 6 consecutive bases within chr11:61,958,128-61,958,142 gives the same sequence; the position shown is the placement nearest the transcript's 3' end. VCF-style (leftmost placement, unchanged base first): chr11-61958127-A-ATCCTCC. GRCh37 (hg19) VCF-style: chr11-61725599-A-ATCCTCC.
Other names: c.715-9_715-4dup6 (NM_004183.3); c.715-18TCC[7] (NM_001363592.2, NM_001440571.1, NM_001440572.1); c.714+664TCC[7] (NM_001440573.1); c.535-18TCC[7] (NM_001139443.3, NM_001300787.2, NM_001440574.1 and 1 more transcripts); c.534+664TCC[7] (NM_001440575.1, NM_001440576.1); c.-461-18TCC[7] (NM_001363593.3); c.397-18TCC[7] (NM_001363591.3).
Identifiers: ClinVar variation 1123172 (VCV001123172.11), dbSNP rs1805182, ClinGen allele CA222937691.